The following is an entry in ClinVar:

NM_138782.3(FCHO2):c.882A>G (p.Gly294=)

Gene: FCHO2 (FCH and mu domain containing endocytic adaptor 2; plus strand). Cytogenetic location: 5q13.2.
Variant type: single nucleotide variant.
Coding change: c.882A>G on transcript NM_138782.3 (MANE Select); coding-DNA position 882, A replaced by G.
Protein change: p.Gly294=; no amino-acid change (glycine 294 retained).
Molecular consequence: synonymous variant.
Genome position (GRCh38, 1-based): chr5:73,037,183, A>G. VCF-style: chr5-73037183-A-G. GRCh37 (hg19) VCF-style: chr5-72333010-A-G.
Other names: c.783A>G, p.Gly261= (NM_001146032.2).
Identifiers: ClinVar variation 777168 (VCV000777168.29), dbSNP rs114375833, ClinGen allele CA3302066.

ClinVar aggregate classification (germline): Benign/Likely benign. Review status: criteria provided, multiple submitters, no conflicts (2 of 4 stars). 3 submissions from 3 submitters: Benign (2); Likely benign (1). Last evaluated 2023-09-01.

Allele frequency attached by ClinVar (database versions not stated): 1000 Genomes Project 30x 0.00203; 1000 Genomes Project 0.00220; TOPMed 0.00446; gnomAD exomes 0.00566 and 0.00733; gnomAD 0.00593 and 0.00605; ExAC 0.00602; ESP Exome Variant Server 0.00669.
gnomAD v4.1: 11,409 of 1,597,016 alleles (0.71%); highest among the groups gnomAD compares: Non-Finnish European, 0.84%; 60 homozygotes.

Submissions (3):

CeGaT Center for Human Genetics Tuebingen
Classification: Likely benign. Last evaluated: 2023-09-01. Review status: criteria provided, single submitter. Criteria: CeGaT Center For Human Genetics Tuebingen Variant Classification Criteria Version 2. Collection method: clinical testing. Allele origin: germline. Affected: yes. Observed: 1 variant allele.
Comment: FCHO2: BP4, BP7, BS2

Labcorp Genetics (formerly Invitae), Labcorp
Classification: Benign. Last evaluated: 2019-12-31. Review status: criteria provided, single submitter. Criteria: Invitae Variant Classification Sherloc (09022015). Collection method: clinical testing. Allele origin: germline.

Breakthrough Genomics
Classification: Benign. Review status: criteria provided, single submitter. Criteria: ACMG Guidelines, 2015. Collection method: not provided. Allele origin: germline. Inheritance: Unknown mechanism. Affected: yes.